The following is an entry in ClinVar:

ClinVar aggregate classification (germline): Pathogenic (1 of 4 stars; one submission).

Conditions:
PRPH2-related disorder. Also called: PRPH2-related condition; PRPH2-related disorders. Identifiers: MedGen CN239395.

Submission:

Labcorp Genetics (formerly Invitae), Labcorp
Classification: Pathogenic for PRPH2-related disorder. Last evaluated: 2023-10-05. Review status: criteria provided, single submitter. Criteria: Invitae Variant Classification Sherloc (09022015). Collection method: clinical testing. Allele origin: germline.
Comment: This sequence change creates a premature translational stop signal (p.Gly148Trpfs*29) in the PRPH2 gene. It is expected to result in an absent or disrupted protein product. Loss-of-function variants in PRPH2 are known to be pathogenic (PMID: 8111389, 8485575, 8485576, 8675410, 16916875, 17504850, 22863181, 25675413, 26061163, 27365499, 29555955, 33546218). This variant is not present in population databases (gnomAD no frequency). This variant has not been reported in the literature in individuals affected with PRPH2-related conditions. ClinVar contains an entry for this variant (Variation ID: 1072932). For these reasons, this variant has been classified as Pathogenic.

Literature cited by the submitters: PubMed 8111389; PubMed 8485575; PubMed 8485576; PubMed 8675410; PubMed 16916875; PubMed 17504850; PubMed 22863181; PubMed 25675413; PubMed 26061163; PubMed 27365499; PubMed 29555955; PubMed 33546218.

NM_000322.5(PRPH2):c.440dup (p.Gly148fs)

Gene: PRPH2 (peripherin 2; minus strand). Cytogenetic location: 6p21.1.
Variant type: Duplication.
Coding change: c.440dup on transcript NM_000322.5 (MANE Select); coding-DNA position 440, one base duplicated (C; older notation c.440dupC).
Protein change: p.Gly148fs; shifts the reading frame from glycine 148.
Molecular consequence: frameshift variant.
Genome position (GRCh38, 1-based): chr6:42,721,895, G duplicated on the plus strand (C on the coding strand, the reverse complement: PRPH2 is on the minus strand); the first of 4 consecutive G bases (chr6:42,721,895-42,721,898); duplicating any one gives the same sequence. VCF-style (leftmost placement, unchanged base first): chr6-42721894-A-AG. GRCh37 (hg19) VCF-style: chr6-42689632-A-AG.
Other names: short protein forms G148fs.
Identifiers: ClinVar variation 1072932 (VCV001072932.7), dbSNP rs1426763534, ClinGen allele CA2499218283.